The following is an entry in ClinVar:

NM_024426.6(WT1):c.1202C>T (p.Pro401Leu)

Gene: WT1 (WT1 transcription factor; minus strand). Cytogenetic location: 11p13.
Variant type: single nucleotide variant.
Coding change: c.1202C>T on transcript NM_024426.6 (MANE Select); coding-DNA position 1202, C replaced by T.
Protein change: p.Pro401Leu; replaces proline 401 with leucine.
Molecular consequence: missense variant. On other transcripts: non-coding transcript variant (1).
Genome position (GRCh38, 1-based): chr11:32,396,319, G>A on the plus strand (C>T on the coding strand, the complement: WT1 is on the minus strand). VCF-style: chr11-32396319-G-A. GRCh37 (hg19) VCF-style: chr11-32417865-G-A.
Other names: c.1151C>T, p.Pro384Leu (NM_000378.6, NM_001407045.1, NM_001407048.1 and 1 more transcripts); c.551C>T, p.Pro184Leu (NM_001198551.2); c.500C>T, p.Pro167Leu (NM_001198552.2); c.14C>T, p.Pro5Leu (NM_001367854.1); c.1196C>T, p.Pro399Leu (NM_001407044.1); c.1202C>T, p.Pro401Leu (NM_001407046.1, NM_024424.5); c.1079C>T, p.Pro360Leu (NM_001407047.1); c.1028C>T, p.Pro343Leu (NM_001407050.1); and 2 more; short protein forms P184L, P401L, P167L, P384L, P5L, P147L, P343L, P360L.
Identifiers: ClinVar variation 406689 (VCV000406689.12), dbSNP rs1060501258, ClinGen allele CA16613361.

ClinVar aggregate classification (germline): Uncertain significance. Review status: criteria provided, multiple submitters, no conflicts (2 of 4 stars). 3 submissions from 3 submitters: Uncertain significance (3). Last evaluated 2025-10-01.

Conditions:
Inborn genetic diseases. Identifiers: MedGen C0950123, MeSH D030342.
Wilms tumor 1 (WT1). Also called: Wilms tumor, somatic. Identifiers: Orphanet 654, MedGen CN033288, MONDO:0008679, OMIM 194070.
Meacham syndrome. Also called: Meacham Winn Culler syndrome. Identifiers: Orphanet 3097, MedGen C1837026, MONDO:0012164, OMIM 608978.
Frasier syndrome. Identifiers: Orphanet 347, MedGen C0950122, MeSH D052159, MONDO:0007635, OMIM 136680.
Drash syndrome (DDS). Also called: NEPHROPATHY, WILMS TUMOR, AND GENITAL ANOMALIES; WILMS TUMOR AND PSEUDO- OR TRUE HERMAPHRODITISM. Identifiers: Orphanet 220, MedGen C0950121, MONDO:0008682, OMIM 194080.
Nephrotic syndrome, type 4 (NPHS4). Also called: Familial mesangial sclerosis; Nephrotic syndrome, early onset with diffuse mesangial sclerosis. Identifiers: Orphanet 656, MedGen C3151568, MONDO:0009733, OMIM 256370.
Mesothelioma, malignant (MESOM). Also called: Malignant mesothelioma (disease). Identifiers: Orphanet 50251, MedGen C0345967, MONDO:0006292, OMIM 156240, HP:0100001.
11p partial monosomy syndrome (WAGR). Also called: CHROMOSOME 11p13 DELETION SYNDROME; WAGR syndrome; WAGR Complex; WAGR Spectrum Disorder. Identifiers: Orphanet 893, MedGen C0206115, MONDO:0008681, OMIM 194072.

Allele frequency attached by ClinVar (database versions not stated): gnomAD exomes below 0.00001; gnomAD 0.00001; TOPMed 0.00001.
gnomAD v4.1: 6 of 1,614,084 alleles (0.00037%); highest among the groups gnomAD compares: Non-Finnish European, 0.00051%; no homozygotes.

Submissions (3):

Ambry Genetics
Classification: Uncertain significance for Inborn genetic diseases. Last evaluated: 2025-10-01. Review status: criteria provided, single submitter. Criteria: Ambry Variant Classification Scheme 2023. Collection method: clinical testing. Allele origin: germline.
Comment: The p.P396L variant (also known as c.1187C>T), located in coding exon 7 of the WT1 gene, results from a C to T substitution at nucleotide position 1187. The proline at codon 396 is replaced by leucine, an amino acid with similar properties. This amino acid position is highly conserved in available vertebrate species. In addition, the in silico prediction for this alteration is inconclusive. Based on the available evidence, the clinical significance of this variant remains unclear.

Fulgent Genetics
Classification: Uncertain significance for Frasier syndrome; Mesothelioma, malignant; Wilms tumor 1; Drash syndrome; Nephrotic syndrome, type 4; Meacham syndrome. Last evaluated: 2024-01-24. Review status: criteria provided, single submitter. Criteria: ACMG Guidelines, 2015. Collection method: clinical testing. Allele origin: germline.

Labcorp Genetics (formerly Invitae), Labcorp
Classification: Uncertain significance for Wilms tumor 1; Drash syndrome; 11p partial monosomy syndrome; Frasier syndrome. Last evaluated: 2023-09-11. Review status: criteria provided, single submitter. Criteria: Invitae Variant Classification Sherloc (09022015). Collection method: clinical testing. Allele origin: germline.
Comment: This variant is not present in population databases (gnomAD no frequency). An algorithm developed to predict the effect of missense changes on protein structure and function (PolyPhen-2) suggests that this variant is likely to be disruptive. ClinVar contains an entry for this variant (Variation ID: 406689). This variant has not been reported in the literature in individuals affected with WT1-related conditions. This sequence change replaces proline, which is neutral and non-polar, with leucine, which is neutral and non-polar, at codon 396 of the WT1 protein (p.Pro396Leu). In summary, the available evidence is currently insufficient to determine the role of this variant in disease. Therefore, it has been classified as a Variant of Uncertain Significance.